The following is an entry in ClinVar:

NM_000051.4(ATM):c.6845A>G (p.Asn2282Ser)

Genes: ATM (ATM serine/threonine kinase; plus strand), C11orf65 (chromosome 11 open reading frame 65; minus strand). Cytogenetic location: 11q22.3.
Variant type: single nucleotide variant.
Coding change: c.6845A>G on transcript NM_000051.4 (MANE Select); coding-DNA position 6845, A replaced by G.
Protein change: p.Asn2282Ser; replaces asparagine 2282 with serine.
Molecular consequence: missense variant. On other transcripts: intron variant (2).
Genome position (GRCh38, 1-based): chr11:108,326,095, A>G. VCF-style: chr11-108326095-A-G. GRCh37 (hg19) VCF-style: chr11-108196822-A-G.
Other names: c.6845A>G, p.Asn2282Ser (NM_001351834.2); c.641-17024T>C (NM_001330368.2); c.*38+9125T>C (NM_001351110.2); short protein forms N2282S.
Identifiers: ClinVar variation 216228 (VCV000216228.24), dbSNP rs863224579, ClinGen allele CA339436.
Genomic context (GRCh38, chr11:108,326,095, plus strand): 5'-CCCATATGTCATTTTCATTTCAGCTCCCTGAAAGGGCAATATTTCAAATTAAACAGTACA[A>G]TTCAGTTAGCTGTGGAGTCTCTGAGTGGCAGCTGGAAGAAGCACAAGTATTCTGGGCAAA-3'
Protein context (NP_000042.3, residues 2272-2292): ERAIFQIKQY[Asn2282Ser]SVSCGVSEWQ

ClinVar aggregate classification (germline): Conflicting classifications of pathogenicity. Review status: criteria provided, conflicting classifications (1 of 4 stars). 6 submissions from 6 submitters: Uncertain significance (5); Likely benign (1). Last evaluated 2026-01-20.

Conditions:
Hereditary cancer-predisposing syndrome. Also called: Neoplastic Syndromes, Hereditary; Hereditary neoplastic syndrome; Tumor predisposition; Hereditary Cancer Syndrome. Identifiers: Orphanet 140162, MedGen C0027672, MeSH D009386, MONDO:0015356.
Familial cancer of breast. Also called: hereditary breast carcinoma; Hereditary breast cancer; BREAST CANCER, FAMILIAL. Identifiers: Orphanet 227535, MedGen C0346153, MONDO:0016419, OMIM 114480. Disease mechanism: loss of function.
Ataxia-telangiectasia syndrome (AT). Also called: Ataxia telangiectasia (A-T); Cerebello-oculocutaneous telangiectasia; Immunodeficiency with ataxia telangiectasia; LOUIS-BAR SYNDROME; AT, COMPLEMENTATION GROUP C; ATAXIA-TELANGIECTASIA, FRESNO VARIANT. Identifiers: Orphanet 100, MedGen C0004135, MONDO:0008840, OMIM 208900.

Allele frequency attached by ClinVar (database versions not stated): gnomAD exomes below 0.00001; TOPMed 0.00001.
gnomAD v4.1: 4 of 1,614,146 alleles (0.00025%); highest among the groups gnomAD compares: East Asian, 0.0022%; no homozygotes.

Submissions (6):

Labcorp Genetics (formerly Invitae), Labcorp
Classification: Uncertain significance for Ataxia-telangiectasia syndrome. Last evaluated: 2026-01-20. Review status: criteria provided, single submitter. Criteria: Invitae Variant Classification Sherloc (09022015). Collection method: clinical testing. Allele origin: germline.
Comment: This sequence change replaces asparagine, which is neutral and polar, with serine, which is neutral and polar, at codon 2282 of the ATM protein (p.Asn2282Ser). This variant is present in population databases (no rsID available, gnomAD 0.007%). This variant has not been reported in the literature in individuals affected with ATM-related conditions. ClinVar contains an entry for this variant (Variation ID: 216228). Invitae Evidence Modeling of protein sequence and biophysical properties (such as structural, functional, and spatial information, amino acid conservation, physicochemical variation, residue mobility, and thermodynamic stability) indicates that this missense variant is not expected to disrupt ATM protein function with a negative predictive value of 95%. In summary, the available evidence is currently insufficient to determine the role of this variant in disease. Therefore, it has been classified as a Variant of Uncertain Significance.

Ambry Genetics
Classification: Likely benign for Hereditary cancer-predisposing syndrome. Last evaluated: 2024-10-15. Review status: criteria provided, single submitter. Criteria: Ambry Variant Classification Scheme 2023. Collection method: clinical testing. Allele origin: germline.

Fulgent Genetics
Classification: Uncertain significance for Familial cancer of breast; Ataxia-telangiectasia syndrome. Last evaluated: 2024-04-11. Review status: criteria provided, single submitter. Criteria: ACMG Guidelines, 2015. Collection method: clinical testing. Allele origin: germline.

Baylor Genetics
Classification: Uncertain significance for Familial cancer of breast. Last evaluated: 2023-10-06. Review status: criteria provided, single submitter. Criteria: ACMG Guidelines, 2015. Collection method: clinical testing. Allele origin: unknown.

GeneDx
Classification: Uncertain significance. Last evaluated: 2022-02-21. Review status: criteria provided, single submitter. Criteria: GeneDx Variant Classification Process June 2021. Collection method: clinical testing. Allele origin: germline. Affected: yes.
Comment: Not observed at significant frequency in large population cohorts (gnomAD); In silico analysis supports that this missense variant does not alter protein structure/function; Observed in individuals with pancreatic cancer in published literature (Grant 2015); This variant is associated with the following publications: (PMID: 23532176, 25479140)

Color Diagnostics, LLC DBA Color Health
Classification: Uncertain significance for Hereditary cancer-predisposing syndrome. Last evaluated: 2018-12-09. Review status: criteria provided, single submitter. Criteria: ACMG Guidelines, 2015. Collection method: clinical testing. Allele origin: germline.

Literature cited by the submitters: PubMed 25479140 (cited by Ambry Genetics).